The following is an entry in ClinVar:

NM_002397.5(MEF2C):c.1340T>C (p.Ile447Thr)

Genes: MEF2C (myocyte enhancer factor 2C; minus strand), MEF2C-AS2 (MEF2C antisense RNA 2; plus strand). Cytogenetic location: 5q14.3.
Variant type: single nucleotide variant.
Coding change: c.1340T>C on transcript NM_002397.5 (MANE Select); coding-DNA position 1340, T replaced by C.
Protein change: p.Ile447Thr; replaces isoleucine 447 with threonine.
Molecular consequence: missense variant. On other transcripts: non-coding transcript variant (1), 3 prime UTR variant (9).
Genome position (GRCh38, 1-based): chr5:88,722,686, A>G on the plus strand (T>C on the coding strand, the complement: MEF2C is on the minus strand). VCF-style: chr5-88722686-A-G. GRCh37 (hg19) VCF-style: chr5-88018503-A-G.
Other names: c.1310T>C, p.Ile437Thr (NM_001131005.2); c.1370T>C, p.Ile457Thr (NM_001193347.1); c.1172T>C, p.Ile391Thr (NM_001193348.1); c.1100T>C, p.Ile367Thr (NM_001193349.3, NM_001364332.2); c.1340T>C, p.Ile447Thr (NM_001193350.2, NM_001364329.2, NM_001364330.2 and 1 more transcripts); c.1316T>C, p.Ile439Thr (NM_001308002.3, NM_001364333.2); c.1244T>C, p.Ile415Thr (NM_001363581.2, NM_001364334.2, NM_001364335.2 and 2 more transcripts); c.1274T>C, p.Ile425Thr (NM_001364338.2); and 8 more; short protein forms I447T, I265T, I289T, I321T, I367T, I399T, I415T, I405T.
Identifiers: ClinVar variation 1480507 (VCV001480507.7), dbSNP rs753156153, ClinGen allele CA3337175.
Genomic context (GRCh38, chr5:88,722,686, plus strand): 5'-AGTCGCATGCGCTTGACTGAGGGACTTTCCCTTTCGTCCGGCGAAGGTCTGGTGAGTCCA[A>G]TGGGGGAGTGGAATTCGTTCCGGTGATCCTCTCGGTCGCTCCCGTCGTACGAACTGCTAC-3'
Protein context (NP_002388.2, residues 437-457): EDHRNEFHSP[Ile447Thr]GLTRPSPDER

ClinVar aggregate classification (germline): Conflicting classifications of pathogenicity. Review status: criteria provided, conflicting classifications (1 of 4 stars). 2 submissions from 2 submitters: Uncertain significance (1); Likely benign (1). Last evaluated 2025-10-02.

Conditions:
Neurodevelopmental disorder with hypotonia, stereotypic hand movements, and impaired language. Also called: Intellectual disability, autosomal dominant 20. Identifiers: Orphanet 228384, Orphanet 664410, MedGen C3150700, MONDO:0013266, OMIM 613443.
Inborn genetic diseases. Identifiers: MedGen C0950123, MeSH D030342.

Allele frequency attached by ClinVar (database versions not stated): gnomAD 0.00001; gnomAD exomes 0.00001 and 0.00002; TOPMed 0.00001; ExAC 0.00002.
gnomAD v4.1: 23 of 1,613,860 alleles (0.0014%); highest among the groups gnomAD compares: South Asian, 0.0044%; no homozygotes.

Submissions (2):

Labcorp Genetics (formerly Invitae), Labcorp
Classification: Uncertain significance for Neurodevelopmental disorder with hypotonia, stereotypic hand movements, and impaired language. Last evaluated: 2025-10-02. Review status: criteria provided, single submitter. Criteria: Invitae Variant Classification Sherloc (09022015). Collection method: clinical testing. Allele origin: germline.
Comment: This sequence change replaces isoleucine, which is neutral and non-polar, with threonine, which is neutral and polar, at codon 447 of the MEF2C protein (p.Ile447Thr). This variant is present in population databases (rs753156153, gnomAD 0.006%). This variant has not been reported in the literature in individuals affected with MEF2C-related conditions. ClinVar contains an entry for this variant (Variation ID: 1480507). Invitae Evidence Modeling of protein sequence and biophysical properties (such as structural, functional, and spatial information, amino acid conservation, physicochemical variation, residue mobility, and thermodynamic stability) indicates that this missense variant is not expected to disrupt MEF2C protein function with a negative predictive value of 95%. In summary, the available evidence is currently insufficient to determine the role of this variant in disease. Therefore, it has been classified as a Variant of Uncertain Significance.

Ambry Genetics
Classification: Likely benign for Inborn genetic diseases. Last evaluated: 2024-12-23. Review status: criteria provided, single submitter. Criteria: Ambry Variant Classification Scheme 2023. Collection method: clinical testing. Allele origin: germline.